The following is an entry in ClinVar:

ClinVar aggregate classification (germline): Uncertain significance. Review status: criteria provided, multiple submitters, no conflicts (2 of 4 stars). 2 submissions from 2 submitters: Uncertain significance (2). Last evaluated 2024-02-13.

Allele frequency attached by ClinVar (database versions not stated): gnomAD 0.00001; ExAC 0.00008.
gnomAD v4.1: 71 of 1,614,042 alleles (0.0044%); highest among the groups gnomAD compares: South Asian, 0.07%; no homozygotes.

Submissions (2):

Ambry Genetics
Classification: Uncertain significance. Last evaluated: 2024-02-13. Review status: criteria provided, single submitter. Criteria: Ambry Variant Classification Scheme 2023. Collection method: clinical testing. Allele origin: germline.

Labcorp Genetics (formerly Invitae), Labcorp
Classification: Uncertain significance. Last evaluated: 2022-05-20. Review status: criteria provided, single submitter. Criteria: Invitae Variant Classification Sherloc (09022015). Collection method: clinical testing. Allele origin: germline.
Comment: In summary, the available evidence is currently insufficient to determine the role of this variant in disease. Therefore, it has been classified as a Variant of Uncertain Significance. Algorithms developed to predict the effect of missense changes on protein structure and function (SIFT, PolyPhen-2, Align-GVGD) all suggest that this variant is likely to be disruptive. This variant has not been reported in the literature in individuals affected with P2RY12-related conditions. This variant is present in population databases (rs758537011, gnomAD 0.08%). This sequence change replaces cysteine, which is neutral and slightly polar, with arginine, which is basic and polar, at codon 270 of the P2RY12 protein (p.Cys270Arg).

NM_022788.5(P2RY12):c.808T>C (p.Cys270Arg)

Genes: MED12L (mediator complex subunit 12L; plus strand), P2RY12 (purinergic receptor P2Y12; minus strand). Cytogenetic location: 3q25.1.
Variant type: single nucleotide variant.
Coding change: c.808T>C on transcript NM_022788.5 (MANE Select); coding-DNA position 808, T replaced by C.
Protein change: p.Cys270Arg; replaces cysteine 270 with arginine.
Molecular consequence: missense variant. On other transcripts: intron variant (2).
Genome position (GRCh38, 1-based): chr3:151,338,038, A>G on the plus strand (T>C on the coding strand, the complement: P2RY12 is on the minus strand). VCF-style: chr3-151338038-A-G. GRCh37 (hg19) VCF-style: chr3-151055826-A-G.
Other names: c.808T>C, p.Cys270Arg (NM_176876.3); c.2251-12021A>G (NM_001393769.1); c.2146-12021A>G (NM_053002.6); short protein forms C270R.
Identifiers: ClinVar variation 2418352 (VCV002418352.7), dbSNP rs758537011, ClinGen allele CA2667797.